The following is an entry in ClinVar:

ClinVar aggregate classification (germline): Uncertain significance (1 of 4 stars; one submission).

Conditions:
Odonto-onycho-dermal dysplasia. Identifiers: Orphanet 2721, MedGen C0796093, MONDO:0009773, OMIM 257980.
Tooth agenesis, selective, 4 (STHAG4). Also called: SUCCEDANEOUS TEETH, AGENESIS OF; TOOTH AGENESIS, SELECTIVE, 4, WITH OR WITHOUT ECTODERMAL DYSPLASIA; LATERAL INCISORS, ABSENCE OF; LATERAL INCISORS, PEGGED OR MISSING. Identifiers: Orphanet 99798, MedGen C1835492, MONDO:0007881, OMIM 150400. Disease mechanism: loss of function.

Submission:

Labcorp Genetics (formerly Invitae), Labcorp
Classification: Uncertain significance for Tooth agenesis, selective, 4; Odonto-onycho-dermal dysplasia. Last evaluated: 2023-08-04. Review status: criteria provided, single submitter. Criteria: Invitae Variant Classification Sherloc (09022015). Collection method: clinical testing. Allele origin: germline.
Comment: This sequence change replaces arginine, which is basic and polar, with histidine, which is basic and polar, at codon 408 of the WNT10A protein (p.Arg408His). This variant is not present in population databases (gnomAD no frequency). This variant has not been reported in the literature in individuals affected with WNT10A-related conditions. ClinVar contains an entry for this variant (Variation ID: 2096855). Advanced modeling of protein sequence and biophysical properties (such as structural, functional, and spatial information, amino acid conservation, physicochemical variation, residue mobility, and thermodynamic stability) performed at Invitae indicates that this missense variant is not expected to disrupt WNT10A protein function. In summary, the available evidence is currently insufficient to determine the role of this variant in disease. Therefore, it has been classified as a Variant of Uncertain Significance.

NM_025216.3(WNT10A):c.1223G>A (p.Arg408His)

Gene: WNT10A (Wnt family member 10A; plus strand). Cytogenetic location: 2q35.
Variant type: single nucleotide variant.
Coding change: c.1223G>A on transcript NM_025216.3 (MANE Select); coding-DNA position 1223, G replaced by A.
Protein change: p.Arg408His; replaces arginine 408 with histidine.
Molecular consequence: missense variant.
Genome position (GRCh38, 1-based): chr2:218,893,240, G>A. VCF-style: chr2-218893240-G-A. GRCh37 (hg19) VCF-style: chr2-219757962-G-A.
Other names: short protein forms R408H.
Identifiers: ClinVar variation 2096855 (VCV002096855.4), dbSNP rs866650556, ClinGen allele CA65919439.